The following is an entry in ClinVar:

NM_002439.5(MSH3):c.1166G>A (p.Gly389Asp)

Gene: MSH3 (mutS homolog 3; plus strand). Cytogenetic location: 5q14.1.
Variant type: single nucleotide variant.
Coding change: c.1166G>A on transcript NM_002439.5 (MANE Select); coding-DNA position 1166, G replaced by A.
Protein change: p.Gly389Asp; replaces glycine 389 with aspartic acid.
Molecular consequence: missense variant.
Genome position (GRCh38, 1-based): chr5:80,675,121, G>A. VCF-style: chr5-80675121-G-A. GRCh37 (hg19) VCF-style: chr5-79970940-G-A.
Other names: c.1166G>A (NM_002439.3); short protein forms G389D.
Identifiers: ClinVar variation 1043327 (VCV001043327.9), dbSNP rs1749812234, ClinGen allele CA360268401.

ClinVar aggregate classification (germline): Uncertain significance. Review status: criteria provided, multiple submitters, no conflicts (2 of 4 stars). 2 submissions from 2 submitters: Uncertain significance (2). Last evaluated 2026-07-06.

Conditions:
Hereditary cancer-predisposing syndrome. Also called: Tumor predisposition; Hereditary Cancer Syndrome; Hereditary neoplastic syndrome; Neoplastic Syndromes, Hereditary. Identifiers: Orphanet 140162, MedGen C0027672, MeSH D009386, MONDO:0015356.

Submissions (2):

Ambry Genetics
Classification: Uncertain significance for Hereditary cancer-predisposing syndrome. Last evaluated: 2026-07-06. Review status: criteria provided, single submitter. Criteria: Ambry Variant Classification Scheme 2023. Collection method: clinical testing. Allele origin: germline.
Comment: The p.G389D variant (also known as c.1166G>A), located in coding exon 7 of the MSH3 gene, results from a G to A substitution at nucleotide position 1166. The glycine at codon 389 is replaced by aspartic acid, an amino acid with similar properties. This amino acid position is conserved. In addition, this alteration is predicted to be deleterious by in silico analysis. Based on the available evidence, the clinical significance of this variant remains unclear.

Labcorp Genetics (formerly Invitae), Labcorp
Classification: Uncertain significance. Last evaluated: 2020-09-10. Review status: criteria provided, single submitter. Criteria: Invitae Variant Classification Sherloc (09022015). Collection method: clinical testing. Allele origin: germline.
Comment: In summary, the available evidence is currently insufficient to determine the role of this variant in disease. Therefore, it has been classified as a Variant of Uncertain Significance. Algorithms developed to predict the effect of missense changes on protein structure and function are either unavailable or do not agree on the potential impact of this missense change (SIFT: "Deleterious"; PolyPhen-2: "Probably Damaging"; Align-GVGD: "Class C15"). This variant has not been reported in the literature in individuals with MSH3-related conditions. This variant is not present in population databases (ExAC no frequency). This sequence change replaces glycine with aspartic acid at codon 389 of the MSH3 protein (p.Gly389Asp). The glycine residue is highly conserved and there is a moderate physicochemical difference between glycine and aspartic acid.